The following is an entry in ClinVar:

ClinVar aggregate classification (germline): Uncertain significance. Review status: criteria provided, multiple submitters, no conflicts (2 of 4 stars). 2 submissions from 2 submitters: Uncertain significance (2). Last evaluated 2024-12-10.

Conditions:
Atrioventricular septal defect 4 (AVSD4). Identifiers: MedGen C3280781, MONDO:0013747, OMIM 614430.

Allele frequency attached by ClinVar (database versions not stated): gnomAD exomes 0.00001 and 0.00003; ExAC 0.00002; TOPMed 0.00002; ESP Exome Variant Server 0.00008.
gnomAD v4.1: 14 of 1,614,238 alleles (0.00087%); highest among the groups gnomAD compares: Admixed American, 0.0017%; no homozygotes.

Submissions (2):

Labcorp Genetics (formerly Invitae), Labcorp
Classification: Uncertain significance for Atrioventricular septal defect 4. Last evaluated: 2024-12-10. Review status: criteria provided, single submitter. Criteria: Invitae Variant Classification Sherloc (09022015). Collection method: clinical testing. Allele origin: germline.
Comment: This sequence change replaces arginine, which is basic and polar, with cysteine, which is neutral and slightly polar, at codon 362 of the GATA4 protein (p.Arg362Cys). This variant is present in population databases (rs145999237, gnomAD 0.05%). This variant has not been reported in the literature in individuals affected with GATA4-related conditions. ClinVar contains an entry for this variant (Variation ID: 567310). Invitae Evidence Modeling of protein sequence and biophysical properties (such as structural, functional, and spatial information, amino acid conservation, physicochemical variation, residue mobility, and thermodynamic stability) has been performed for this missense variant. However, the output from this modeling did not meet the statistical confidence thresholds required to predict the impact of this variant on GATA4 protein function. In summary, the available evidence is currently insufficient to determine the role of this variant in disease. Therefore, it has been classified as a Variant of Uncertain Significance.

GeneDx
Classification: Uncertain significance. Last evaluated: 2024-12-03. Review status: criteria provided, single submitter. Criteria: GeneDx Variant Classification Process June 2021. Collection method: clinical testing. Allele origin: germline.
Comment: In silico analysis supports that this missense variant has a deleterious effect on protein structure/function; Has not been previously published as pathogenic or benign to our knowledge

NM_001308093.3(GATA4):c.1087C>T (p.Arg363Cys)

Gene: GATA4 (GATA binding protein 4). Cytogenetic location: 8p23.1.
Variant type: single nucleotide variant.
Coding change: c.1087C>T on transcript NM_001308093.3 (MANE Select); coding-DNA position 1087, C replaced by T.
Protein change: p.Arg363Cys; replaces arginine 363 with cysteine.
Molecular consequence: missense variant.
Genome position (GRCh38, 1-based): chr8:11,757,021, C>T. VCF-style: chr8-11757021-C-T. GRCh37 (hg19) VCF-style: chr8-11614530-C-T.
Other names: c.466C>T, p.Arg156Cys (NM_001308094.2, NM_001374273.1); c.340C>T, p.Arg114Cys (NM_001374274.1); c.1084C>T, p.Arg362Cys (NM_002052.5); short protein forms R362C, R156C, R363C, R114C.
Identifiers: ClinVar variation 567310 (VCV000567310.10), dbSNP rs145999237, ClinGen allele CA4630820.